The following is an entry in ClinVar:

NM_000093.5(COL5A1):c.3906+10C>T

Gene: COL5A1 (collagen type V alpha 1 chain; plus strand). Cytogenetic location: 9q34.3.
Variant type: single nucleotide variant.
Coding change: c.3906+10C>T on transcript NM_000093.5 (MANE Select); 10 bases into the intron after coding-DNA position 3906, C replaced by T.
Molecular consequence: intron variant.
Genome position (GRCh38, 1-based): chr9:134,814,046, C>T. VCF-style: chr9-134814046-C-T. GRCh37 (hg19) VCF-style: chr9-137705892-C-T.
Other names: p.?; c.3906+10C>T (NM_001278074.1).
Identifiers: ClinVar variation 136884 (VCV000136884.27), dbSNP rs183881247, ClinGen allele CA232471.

ClinVar aggregate classification (germline): Conflicting classifications of pathogenicity. Review status: criteria provided, conflicting classifications (1 of 4 stars). 7 submissions from 7 submitters: Uncertain significance (1); Benign (2); Likely benign (4). Last evaluated 2026-01-28.

Conditions:
Ehlers-Danlos syndrome, classic type, 1 (EDSCL1). Also called: Ehlers-Danlos syndrome, type 1; EHLERS-DANLOS SYNDROME, GRAVIS TYPE; EHLERS-DANLOS SYNDROME, SEVERE CLASSIC TYPE; Ehlers-Danlos Syndrome, Classic Type, COL5A1-Related; EDS I. Identifiers: MedGen C0268335, MONDO:0019567, OMIM 130000.

Allele frequency attached by ClinVar (database versions not stated): ESP Exome Variant Server 0.00009; ExAC 0.00017; TOPMed 0.00029; gnomAD 0.00030; 1000 Genomes Project 0.00040; 1000 Genomes Project 30x 0.00047.
gnomAD v4.1: 528 of 1,550,382 alleles (0.034%); highest among the groups gnomAD compares: Middle Eastern, 0.1%; no homozygotes.

Submissions (7):

Labcorp Genetics (formerly Invitae), Labcorp
Classification: Likely benign for Ehlers-Danlos syndrome, classic type, 1. Last evaluated: 2026-01-28. Review status: criteria provided, single submitter. Criteria: Invitae Variant Classification Sherloc (09022015). Collection method: clinical testing. Allele origin: germline.

Mayo Clinic Laboratories, Mayo Clinic
Classification: Likely benign. Last evaluated: 2025-05-29. Review status: criteria provided, single submitter. Criteria: ACMG Guidelines, 2015. Collection method: clinical testing. Allele origin: germline. Observed: 3 variant alleles.
Comment: BS1, BP4, BP7

Blueprint Genetics
Classification: Likely benign. Last evaluated: 2024-09-10. Review status: criteria provided, single submitter. Criteria: ACMG Guidelines, 2015. Collection method: clinical testing. Allele origin: germline.

Women's Health and Genetics/Laboratory Corporation of America, LabCorp
Classification: Benign. Last evaluated: 2024-06-04. Review status: criteria provided, single submitter. Criteria: LabCorp Variant Classification Summary - May 2015. Collection method: clinical testing. Allele origin: germline.
Comment: Variant summary: COL5A1 c.3906+10C>T alters a non-conserved nucleotide located at a position not widely known to affect splicing. The variant allele was found at a frequency of 0.00029 in 153900 control chromosomes (gnomAD). The observed variant frequency is approximately 9-fold of the estimated maximal expected allele frequency for a pathogenic variant in COL5A1 causing Ehlers-Danlos Syndrome phenotype (3.1e-05). To our knowledge, no occurrence of c.3906+10C>T in individuals affected with Ehlers-Danlos Syndrome and no experimental evidence demonstrating its impact on protein function have been reported. ClinVar contains an entry for this variant (Variation ID: 136884). Based on the evidence outlined above, the variant was classified as benign.

ARUP Laboratories, Molecular Genetics and Genomics, ARUP Laboratories
Classification: Likely benign. Last evaluated: 2021-07-30. Review status: criteria provided, single submitter. Criteria: ARUP Molecular Germline Variant Investigation Process 2021. Collection method: clinical testing. Allele origin: germline.

Eurofins Ntd Llc (ga)
Classification: Uncertain significance. Last evaluated: 2014-12-15. Review status: criteria provided, single submitter. Criteria: EGL Classification Definitions 2015. Collection method: clinical testing. Allele origin: germline. Observed: 1 variant allele, 1 heterozygote.

GeneDx
Classification: Benign. Last evaluated: 2013-11-05. Review status: criteria provided, single submitter. Criteria: GeneDx Variant Classification (06012015). Collection method: clinical testing. Allele origin: germline. Affected: yes.
Comment: This variant is considered likely benign or benign based on one or more of the following criteria: it is a conservative change, it occurs at a poorly conserved position in the protein, it is predicted to be benign by multiple in silico algorithms, and/or has population frequency not consistent with disease.